The following is an entry in ClinVar:

NM_001332.4(CTNND2):c.849C>T (p.Gly283=)

Gene: CTNND2 (catenin delta 2; minus strand). Cytogenetic location: 5p15.2.
Variant type: single nucleotide variant.
Coding change: c.849C>T on transcript NM_001332.4 (MANE Select); coding-DNA position 849, C replaced by T.
Protein change: p.Gly283=; no amino-acid change (glycine 283 retained).
Molecular consequence: synonymous variant. On other transcripts: intron variant (3).
Genome position (GRCh38, 1-based): chr5:11,384,993, G>A on the plus strand (C>T on the coding strand, the complement: CTNND2 is on the minus strand). VCF-style: chr5-11384993-G-A. GRCh37 (hg19) VCF-style: chr5-11385105-G-A.
Other names: c.576C>T, p.Gly192= (NM_001288715.1); c.-123+12038C>T (NM_001288717.2); c.167-20103C>T (NM_001364128.2, NM_001288716.1).
Identifiers: ClinVar variation 4981454 (VCV004981454.1).

ClinVar aggregate classification (germline): Likely benign (1 of 4 stars; one submission).

Conditions:
CTNND2-related disorder. Also called: CTNND2-related condition.

gnomAD v4.1: 12 of 1,513,640 alleles (0.00079%); highest among the groups gnomAD compares: African/African-American, 0.0042%; no homozygotes.

Submission:

PreventionGenetics, part of Exact Sciences
Classification: Likely benign for CTNND2-related condition. Last evaluated: 2025-04-19. Review status: criteria provided, single submitter. Criteria: ACMG Guidelines, 2015. Collection method: clinical testing. Allele origin: germline.
Comment: This variant is classified as likely benign based on ACMG/AMP sequence variant interpretation guidelines (Richards et al. 2015 PMID: 25741868, with internal and published modifications).